The following is an entry in ClinVar:

NM_024757.5(EHMT1):c.444_445inv (p.Gly149Ser)

Gene: EHMT1 (euchromatic histone lysine methyltransferase 1; plus strand). Cytogenetic location: 9q34.3.
Variant type: Inversion.
Coding change: c.444_445inv on transcript NM_024757.5 (MANE Select).
Protein change: p.Gly149Ser; replaces glycine 149 with serine.
Molecular consequence: missense variant.
Genome position: GRCh38 VCF-style: chr9-137716984-TG-CA. GRCh37 (hg19) VCF-style: chr9-140611436-TG-CA.
Other names: c.444_445inv, p.Gly149Ser (NM_001145527.2, NM_001354263.2, NM_001354611.2); c.351_352inv, p.Gly118Ser (NM_001354259.2, NM_001354612.2); short protein forms G118S, G149S.
Identifiers: ClinVar variation 576740 (VCV000576740.9), ClinGen allele CA891842574.
Genomic context (GRCh38, chr9:137,716,984, plus strand): 5'-TAAGCCGGCCCTACAGGCACAGCCCTTGAGGACTACCAGCACTCTGGCCTCTTCGCTGCC[TG>CA]GCCATGCTGCAAAAACCCTTCCTGGAGGGGCTGGCAAAGGCAGGACTCCAAGCGCTTTTC-3'
Protein context (NP_079033.4, residues 139-159): TTSTLASSLP[Gly149Ser]HAAKTLPGGA

ClinVar aggregate classification (germline): Uncertain significance (1 of 4 stars; one submission).

Conditions:
Kleefstra syndrome 1 (KLEFS1). Identifiers: Orphanet 261494, MedGen C0795833, MONDO:0027407, OMIM 610253.

Submission:

Labcorp Genetics (formerly Invitae), Labcorp
Classification: Uncertain significance for Kleefstra syndrome 1. Last evaluated: 2022-10-07. Review status: criteria provided, single submitter. Criteria: Invitae Variant Classification Sherloc (09022015). Collection method: clinical testing. Allele origin: germline.
Comment: In summary, the available evidence is currently insufficient to determine the role of this variant in disease. Therefore, it has been classified as a Variant of Uncertain Significance. Algorithms developed to predict the effect of sequence changes on RNA splicing suggest that this variant may create or strengthen a splice site. Experimental studies and prediction algorithms are not available or were not evaluated, and the functional significance of this variant is currently unknown. ClinVar contains an entry for this variant (Variation ID: 576740). This variant has not been reported in the literature in individuals affected with EHMT1-related conditions. Information on the frequency of this variant in the gnomAD database is not available, as this variant may be reported differently in the database. This sequence change replaces glycine, which is neutral and non-polar, with serine, which is neutral and polar, at codon 149 of the EHMT1 protein (p.Gly149Ser).